The following is an entry in ClinVar:

NM_007194.4(CHEK2):c.1621G>C (p.Ala541Pro)

Gene: CHEK2 (checkpoint kinase 2; minus strand). Cytogenetic location: 22q12.1.
Variant type: single nucleotide variant.
Coding change: c.1621G>C on transcript NM_007194.4 (MANE Select); coding-DNA position 1621, G replaced by C.
Protein change: p.Ala541Pro; replaces alanine 541 with proline.
Molecular consequence: missense variant.
Genome position (GRCh38, 1-based): chr22:28,687,908, C>G on the plus strand (G>C on the coding strand, the complement: CHEK2 is on the minus strand). VCF-style: chr22-28687908-C-G. GRCh37 (hg19) VCF-style: chr22-29083896-C-G.
Other names: c.1750G>C, p.Ala584Pro (NM_001005735.3); c.958G>C, p.Ala320Pro (NM_001257387.3, NM_001437942.1); c.1420G>C, p.Ala474Pro (NM_001349956.3); c.1714G>C, p.Ala572Pro (NM_001438293.1); c.1663G>C, p.Ala555Pro (NM_001438294.1); c.1627G>C, p.Ala543Pro (NM_001438295.1); c.1534G>C, p.Ala512Pro (NM_145862.3); short protein forms A320P, A474P, A512P, A541P, A555P, A572P, A543P, A584P.
Identifiers: ClinVar variation 4634925 (VCV004634925.1).

ClinVar aggregate classification (germline): Uncertain significance (1 of 4 stars; one submission).

Conditions:
Hereditary cancer-predisposing syndrome. Also called: Neoplastic Syndromes, Hereditary; Tumor predisposition; Hereditary Cancer Syndrome; Hereditary neoplastic syndrome. Identifiers: Orphanet 140162, MedGen C0027672, MeSH D009386, MONDO:0015356.

Submission:

Ambry Genetics
Classification: Uncertain significance for Hereditary cancer-predisposing syndrome. Last evaluated: 2025-11-08. Review status: criteria provided, single submitter. Criteria: Ambry Variant Classification Scheme 2023. Collection method: clinical testing. Allele origin: germline.
Comment: The p.A541P variant (also known as c.1621G>C), located in coding exon 14 of the CHEK2 gene, results from a G to C substitution at nucleotide position 1621. The alanine at codon 541 is replaced by proline, an amino acid with highly similar properties. This amino acid position is conserved. In addition, this alteration is predicted to be tolerated by in silico analysis. Based on the available evidence, the clinical significance of this variant remains unclear.